The following is an entry in ClinVar:

NM_001145809.2(MYH14):c.4231G>C (p.Glu1411Gln)

Gene: MYH14 (myosin heavy chain 14; plus strand). Cytogenetic location: 19q13.33.
Variant type: single nucleotide variant.
Coding change: c.4231G>C on transcript NM_001145809.2 (MANE Select); coding-DNA position 4231, G replaced by C.
Protein change: p.Glu1411Gln; replaces glutamic acid 1411 with glutamine.
Molecular consequence: missense variant.
Genome position (GRCh38, 1-based): chr19:50,280,324, G>C. VCF-style: chr19-50280324-G-C. GRCh37 (hg19) VCF-style: chr19-50783581-G-C.
Other names: c.4132G>C, p.Glu1378Gln (NM_001077186.2); c.4108G>C, p.Glu1370Gln (NM_024729.4); short protein forms E1378Q, E1411Q, E1370Q.
Identifiers: ClinVar variation 4766825 (VCV004766825.1).

ClinVar aggregate classification (germline): Uncertain significance (1 of 4 stars; one submission).

Submission:

Labcorp Genetics (formerly Invitae), Labcorp
Classification: Uncertain significance. Last evaluated: 2025-04-08. Review status: criteria provided, single submitter. Criteria: Invitae Variant Classification Sherloc (09022015). Collection method: clinical testing. Allele origin: germline.
Comment: This sequence change replaces glutamic acid, which is acidic and polar, with glutamine, which is neutral and polar, at codon 1370 of the MYH14 protein (p.Glu1370Gln). This variant is not present in population databases (gnomAD no frequency). This variant has not been reported in the literature in individuals affected with MYH14-related conditions. Invitae Evidence Modeling of protein sequence and biophysical properties (such as structural, functional, and spatial information, amino acid conservation, physicochemical variation, residue mobility, and thermodynamic stability) indicates that this missense variant is not expected to disrupt MYH14 protein function with a negative predictive value of 80%. In summary, the available evidence is currently insufficient to determine the role of this variant in disease. Therefore, it has been classified as a Variant of Uncertain Significance.